The following is an entry in ClinVar:

NM_006031.6(PCNT):c.459_536del (p.His156_Gln181del)

Gene: PCNT (pericentrin; plus strand). Cytogenetic location: 21q22.3.
Variant type: Deletion.
Coding change: c.459_536del on transcript NM_006031.6 (MANE Select); coding-DNA positions 459 to 536, 78 bases deleted.
Protein change: p.His156_Gln181del.
Molecular consequence: inframe deletion.
Genome position (GRCh38, 1-based): chr21:46,334,588-46,334,665, 78 bases deleted. GRCh37 (hg19): chr21:47,754,502-47,754,579.
Other names: c.105_182del, p.His38_Gln63del (NM_001315529.2).
Identifiers: ClinVar variation 2017338 (VCV002017338.1), dbSNP rs2083672324, ClinGen allele CA1022902652.

ClinVar aggregate classification (germline): Uncertain significance (1 of 4 stars; one submission).

Submission:

Labcorp Genetics (formerly Invitae), Labcorp
Classification: Uncertain significance. Last evaluated: 2022-07-06. Review status: criteria provided, single submitter. Criteria: Invitae Variant Classification Sherloc (09022015). Collection method: clinical testing. Allele origin: germline.
Comment: This variant, c.459_536del, results in the deletion of 26 amino acid(s) of the PCNT protein (p.His156_Gln181del), but otherwise preserves the integrity of the reading frame. This variant is not present in population databases (gnomAD no frequency). This variant has not been reported in the literature in individuals affected with PCNT-related conditions. Experimental studies and prediction algorithms are not available or were not evaluated, and the functional significance of this variant is currently unknown. In summary, the available evidence is currently insufficient to determine the role of this variant in disease. Therefore, it has been classified as a Variant of Uncertain Significance.